The following is an entry in ClinVar:

ClinVar aggregate classification (germline): Uncertain significance. Review status: criteria provided, multiple submitters, no conflicts (2 of 4 stars). 3 submissions from 3 submitters: Uncertain significance (3). Last evaluated 2025-05-26.

Conditions:
ATM-related cancer predisposition. Also called: ATM-related cancer susceptibility. Identifiers: MedGen CN377759, MONDO:0700270.
Hereditary cancer-predisposing syndrome. Also called: Tumor predisposition; Neoplastic Syndromes, Hereditary; Hereditary Cancer Syndrome; Hereditary neoplastic syndrome. Identifiers: Orphanet 140162, MedGen C0027672, MeSH D009386, MONDO:0015356.
Ataxia-telangiectasia syndrome (AT). Also called: ATAXIA-TELANGIECTASIA, COMPLEMENTATION GROUP A; ATAXIA-TELANGIECTASIA, FRESNO VARIANT; Ataxia-telangiectasia; Ataxia-telangiectasia, complementation group D; AT, COMPLEMENTATION GROUP C; Ataxia-telangiectasia, complementation group E. Identifiers: Orphanet 100, MedGen C0004135, MONDO:0008840, OMIM 208900.

Submissions (3):

Hema, HEMA – Genetic and Molecular Diagnostic Laboratory
Classification: Uncertain significance for ATM-related cancer predisposition. Last evaluated: 2025-05-26. Review status: criteria provided, single submitter. Criteria: HEMA Variant Classification Assertion Criteria. Collection method: clinical testing. Allele origin: germline.
Comment: It is a transition from guanine to adenine, resulting in the substitution of cysteine 2246 by tyrosine in the ATM protein. PM2_Supporting: Absent in the gnomAD v2.1.1 and v4.1.0 databases.

Ambry Genetics
Classification: Uncertain significance for Hereditary cancer-predisposing syndrome. Last evaluated: 2024-08-06. Review status: criteria provided, single submitter. Criteria: Ambry Variant Classification Scheme 2023. Collection method: clinical testing. Allele origin: germline.
Comment: The p.C2246Y variant (also known as c.6737G>A), located in coding exon 45 of the ATM gene, results from a G to A substitution at nucleotide position 6737. The cysteine at codon 2246 is replaced by tyrosine, an amino acid with highly dissimilar properties. This amino acid position is conserved. In addition, the in silico prediction for this alteration is inconclusive. Based on the available evidence, the clinical significance of this variant remains unclear.

Labcorp Genetics (formerly Invitae), Labcorp
Classification: Uncertain significance for Ataxia-telangiectasia syndrome. Last evaluated: 2019-01-02. Review status: criteria provided, single submitter. Criteria: Invitae Variant Classification Sherloc (09022015). Collection method: clinical testing. Allele origin: germline.
Comment: In summary, the available evidence is currently insufficient to determine the role of this variant in disease. Therefore, it has been classified as a Variant of Uncertain Significance. Algorithms developed to predict the effect of missense changes on protein structure and function (SIFT, PolyPhen-2, Align-GVGD) all suggest that this variant is likely to be tolerated, but these predictions have not been confirmed by published functional studies and their clinical significance is uncertain. This variant has not been reported in the literature in individuals with ATM-related conditions. This variant is not present in population databases (ExAC no frequency). This sequence change replaces cysteine with tyrosine at codon 2246 of the ATM protein (p.Cys2246Tyr). The cysteine residue is weakly conserved and there is a large physicochemical difference between cysteine and tyrosine.

NM_000051.4(ATM):c.6737G>A (p.Cys2246Tyr)

Genes: ATM (ATM serine/threonine kinase; plus strand), C11orf65 (chromosome 11 open reading frame 65; minus strand). Cytogenetic location: 11q22.3.
Variant type: single nucleotide variant.
Coding change: c.6737G>A on transcript NM_000051.4 (MANE Select); coding-DNA position 6737, G replaced by A.
Protein change: p.Cys2246Tyr; replaces cysteine 2246 with tyrosine.
Molecular consequence: missense variant. On other transcripts: intron variant (2).
Genome position (GRCh38, 1-based): chr11:108,325,474, G>A. VCF-style: chr11-108325474-G-A. GRCh37 (hg19) VCF-style: chr11-108196201-G-A.
Other names: c.6737G>A, p.Cys2246Tyr (NM_001351834.2); c.641-16403C>T (NM_001330368.2); c.*38+9746C>T (NM_001351110.2); short protein forms C2246Y.
Identifiers: ClinVar variation 852222 (VCV000852222.12), dbSNP rs2085573174, ClinGen allele CA382555168.